The following is an entry in ClinVar:

NM_003060.4(SLC22A5):c.1634G>T (p.Gly545Val)

Gene: SLC22A5 (solute carrier family 22 member 5; plus strand). Cytogenetic location: 5q31.1.
Variant type: single nucleotide variant.
Coding change: c.1634G>T on transcript NM_003060.4 (MANE Select); coding-DNA position 1634, G replaced by T.
Protein change: p.Gly545Val; replaces glycine 545 with valine.
Molecular consequence: missense variant.
Genome position (GRCh38, 1-based): chr5:132,394,232, G>T. VCF-style: chr5-132394232-G-T. GRCh37 (hg19) VCF-style: chr5-131729924-G-T.
Other names: c.1706G>T, p.Gly569Val (NM_001308122.2); c.1634G>T (NM_003060.3); short protein forms G545V, G569V.
Identifiers: ClinVar variation 3712183 (VCV003712183.2).

ClinVar aggregate classification (germline): Uncertain significance. Review status: criteria provided, multiple submitters, no conflicts (2 of 4 stars). 2 submissions from 2 submitters: Uncertain significance (2). Last evaluated 2025-08-24.

Conditions:
Renal carnitine transport defect (CDSP). Also called: CARNITINE DEFICIENCY, SYSTEMIC, DUE TO DEFECT IN RENAL REABSORPTION OF CARNITINE; CARNITINE TRANSPORTER, PLASMA-MEMBRANE, DEFICIENCY OF; CARNITINE UPTAKE DEFECT; Primary carnitine deficiency; Systemic primary carnitine deficiency; Carnitine transporter deficiency. Identifiers: Orphanet 158, MedGen C0342788, MONDO:0008919, OMIM 212140.
Inborn genetic diseases. Identifiers: MedGen C0950123, MeSH D030342.

gnomAD v4.1: 7 of 1,613,714 alleles (0.00043%); highest among the groups gnomAD compares: African/African-American, 0.0013%; no homozygotes.

Submissions (2):

Ambry Genetics
Classification: Uncertain significance for Inborn genetic diseases. Last evaluated: 2025-08-24. Review status: criteria provided, single submitter. Criteria: Ambry Variant Classification Scheme 2023. Collection method: clinical testing. Allele origin: germline.

Labcorp Genetics (formerly Invitae), Labcorp
Classification: Uncertain significance for Renal carnitine transport defect. Last evaluated: 2024-07-08. Review status: criteria provided, single submitter. Criteria: Invitae Variant Classification Sherloc (09022015). Collection method: clinical testing. Allele origin: germline.
Comment: This sequence change replaces glycine, which is neutral and non-polar, with valine, which is neutral and non-polar, at codon 545 of the SLC22A5 protein (p.Gly545Val). This variant is not present in population databases (gnomAD no frequency). This variant has not been reported in the literature in individuals affected with SLC22A5-related conditions. Advanced modeling of protein sequence and biophysical properties (such as structural, functional, and spatial information, amino acid conservation, physicochemical variation, residue mobility, and thermodynamic stability) performed at Invitae indicates that this missense variant is not expected to disrupt SLC22A5 protein function with a negative predictive value of 95%. In summary, the available evidence is currently insufficient to determine the role of this variant in disease. Therefore, it has been classified as a Variant of Uncertain Significance.